The following is an entry in ClinVar:

ClinVar aggregate classification (germline): Uncertain significance (1 of 4 stars; one submission).

Conditions:
Atrial fibrillation, familial, 7 (ATFB7). Identifiers: MedGen C2677106, MONDO:0012828, OMIM 612240.

gnomAD v4.1: 1 of 1,614,180 alleles (0.000062%); highest among the groups gnomAD compares: South Asian, 0.0011%; no homozygotes.

Submission:

Labcorp Genetics (formerly Invitae), Labcorp
Classification: Uncertain significance for Atrial fibrillation, familial, 7. Last evaluated: 2026-01-25. Review status: criteria provided, single submitter. Criteria: Invitae Variant Classification Sherloc (09022015). Collection method: clinical testing. Allele origin: germline.
Comment: This sequence change replaces serine, which is neutral and polar, with asparagine, which is neutral and polar, at codon 543 of the KCNA5 protein (p.Ser543Asn). This variant is present in population databases (rs777029358, gnomAD 0.003%). This variant has not been reported in the literature in individuals affected with KCNA5-related conditions. An algorithm developed to predict the effect of missense changes on protein structure and function outputs the following: PolyPhen-2: "Benign". The asparagine amino acid residue is found in multiple mammalian species, which suggests that this missense change does not adversely affect protein function. In summary, the available evidence is currently insufficient to determine the role of this variant in disease. Therefore, it has been classified as a Variant of Uncertain Significance.

NM_002234.4(KCNA5):c.1628G>A (p.Ser543Asn)

Gene: KCNA5 (potassium voltage-gated channel subfamily A member 5; plus strand). Cytogenetic location: 12p13.32.
Variant type: single nucleotide variant.
Coding change: c.1628G>A on transcript NM_002234.4 (MANE Select); coding-DNA position 1628, G replaced by A.
Protein change: p.Ser543Asn; replaces serine 543 with asparagine.
Molecular consequence: missense variant.
Genome position (GRCh38, 1-based): chr12:5,045,775, G>A. VCF-style: chr12-5045775-G-A. GRCh37 (hg19) VCF-style: chr12-5154941-G-A.
Other names: short protein forms S543N.
Identifiers: ClinVar variation 4735793 (VCV004735793.1).